The following is an entry in ClinVar:

NM_000363.5(TNNI3):c.573G>T (p.Trp191Cys)

Gene: TNNI3 (troponin I3, cardiac type; minus strand). Cytogenetic location: 19q13.42.
Variant type: single nucleotide variant.
Coding change: c.573G>T on transcript NM_000363.5 (MANE Select); coding-DNA position 573, G replaced by T.
Protein change: p.Trp191Cys; replaces tryptophan 191 with cysteine.
Molecular consequence: missense variant.
Genome position (GRCh38, 1-based): chr19:55,151,894, C>A on the plus strand (G>T on the coding strand, the complement: TNNI3 is on the minus strand). VCF-style: chr19-55151894-C-A. GRCh37 (hg19) VCF-style: chr19-55663262-C-A.
Other names: short protein forms W191C.
Identifiers: ClinVar variation 4720337 (VCV004720337.1).

ClinVar aggregate classification (germline): Uncertain significance (1 of 4 stars; one submission).

Conditions:
Hypertrophic cardiomyopathy. Also called: HYPERTROPHIC MYOCARDIOPATHY. Identifiers: Orphanet 217569, MedGen C0007194, MeSH D002312, MONDO:0005045, HP:0001639.

Submission:

Labcorp Genetics (formerly Invitae), Labcorp
Classification: Uncertain significance for Hypertrophic cardiomyopathy. Last evaluated: 2025-06-09. Review status: criteria provided, single submitter. Criteria: Invitae Variant Classification Sherloc (09022015). Collection method: clinical testing. Allele origin: germline.
Comment: This sequence change replaces tryptophan, which is neutral and slightly polar, with cysteine, which is neutral and slightly polar, at codon 191 of the TNNI3 protein (p.Trp191Cys). This variant is not present in population databases (gnomAD no frequency). This variant has not been reported in the literature in individuals affected with TNNI3-related conditions. An algorithm developed to predict the effect of missense changes on protein structure and function (PolyPhen-2) suggests that this variant is likely to be disruptive. In summary, the available evidence is currently insufficient to determine the role of this variant in disease. Therefore, it has been classified as a Variant of Uncertain Significance.